The following is an entry in ClinVar:

ClinVar aggregate classification (germline): Uncertain significance (1 of 4 stars; one submission).

gnomAD v4.1: 1 of 1,613,878 alleles (0.000062%); highest among the groups gnomAD compares: Non-Finnish European, 0.000085%; no homozygotes.

Submission:

GeneDx
Classification: Uncertain significance. Last evaluated: 2026-02-26. Review status: criteria provided, single submitter. Criteria: GeneDx Variant Classification Process June 2021. Collection method: clinical testing. Allele origin: germline.
Comment: Not observed at significant frequency in large population cohorts (gnomAD); In silico analysis suggests that this missense variant does not alter protein structure/function; Has not been previously published as pathogenic or benign to our knowledge

NM_001085458.2(CTNND1):c.1625G>A (p.Ser542Asn)

Genes: CTNND1 (catenin delta 1; plus strand), TMX2-CTNND1 (TMX2-CTNND1 readthrough (NMD candidate); plus strand). Cytogenetic location: 11q12.1.
Variant type: single nucleotide variant.
Coding change: c.1625G>A on transcript NM_001085458.2 (MANE Select); coding-DNA position 1625, G replaced by A.
Protein change: p.Ser542Asn; replaces serine 542 with asparagine.
Molecular consequence: missense variant. On other transcripts: non-coding transcript variant (1).
Genome position (GRCh38, 1-based): chr11:57,804,683, G>A. VCF-style: chr11-57804683-G-A. GRCh37 (hg19) VCF-style: chr11-57572155-G-A.
Other names: c.1625G>A, p.Ser542Asn (NM_001085459.2, NM_001085460.2, NM_001085461.2 and 3 more transcripts); c.1322G>A, p.Ser441Asn (NM_001085463.2, NM_001085464.2, NM_001085465.2 and 5 more transcripts); c.1463G>A, p.Ser488Asn (NM_001206883.2, NM_001206884.2, NM_001206886.2 and 4 more transcripts); short protein forms S488N, S542N, S441N.
Identifiers: ClinVar variation 5009890 (VCV005009890.1).